The following is an entry in ClinVar:

ClinVar aggregate classification (germline): Likely benign (0 of 4 stars; one submission).

Conditions:
HMCN1-related disorder. Also called: HMCN1-related condition.

Allele frequency attached by ClinVar (database versions not stated): ExAC 0.00001; gnomAD exomes 0.00001; gnomAD 0.00002; TOPMed 0.00002.
gnomAD v4.1: 19 of 1,612,840 alleles (0.0012%); highest among the groups gnomAD compares: Middle Eastern, 0.016%; no homozygotes.

Submission:

PreventionGenetics, part of Exact Sciences
Classification: Likely benign for HMCN1-related condition. Last evaluated: 2019-03-25. Review status: no assertion criteria provided. Collection method: clinical testing. Allele origin: germline.
Comment: This variant is classified as likely benign based on ACMG/AMP sequence variant interpretation guidelines (Richards et al. 2015 PMID: 25741868, with internal and published modifications).

NM_031935.3(HMCN1):c.9510A>G (p.Thr3170=)

Gene: HMCN1 (hemicentin 1; plus strand). Cytogenetic location: 1q31.1.
Variant type: single nucleotide variant.
Coding change: c.9510A>G on transcript NM_031935.3 (MANE Select); coding-DNA position 9510, A replaced by G.
Protein change: p.Thr3170=; no amino-acid change (threonine 3170 retained).
Molecular consequence: synonymous variant.
Genome position (GRCh38, 1-based): chr1:186,088,209, A>G. VCF-style: chr1-186088209-A-G. GRCh37 (hg19) VCF-style: chr1-186057341-A-G.
Identifiers: ClinVar variation 3057675 (VCV003057675.2), dbSNP rs770099100, ClinGen allele CA1293451.